The following is an entry in ClinVar:

NC_000016.9:g.(?_28499892)_(28503100_?)dup

Gene: CLN3 (CLN3 lysosomal/endosomal transmembrane protein, battenin; minus strand). Cytogenetic location: 16p12.1.
Variant type: Duplication.
Identifiers: ClinVar variation 583552 (VCV000583552.1).

ClinVar aggregate classification (germline): Uncertain significance (1 of 4 stars; one submission).

Conditions:
Neuronal ceroid lipofuscinosis. Also called: Neuronal Ceroid Lipofuscinoses. Identifiers: Orphanet 216, Orphanet 79263, MedGen C0027877, MONDO:0016295. Disease mechanism: loss of function.

Submission:

Labcorp Genetics (formerly Invitae), Labcorp
Classification: Uncertain significance for Neuronal ceroid lipofuscinosis. Last evaluated: 2018-05-08. Review status: criteria provided, single submitter. Criteria: Invitae Variant Classification Sherloc (09022015). Collection method: clinical testing. Allele origin: germline.
Comment: This variant results in a copy number gain of the genomic region encompassing exons 2-5 of the CLN3 gene. The 5' end of this event is unknown as it extends beyond the assayed region for this gene and therefore may encompass additional genes. The 3' boundary is likely confined to intron 5 of the CLN3 gene. As the precise location of this event is unknown, it may be in tandem or it may be located elsewhere in the genome.. This variant has not been reported in the literature in individuals with CLN3-related disease. Experimental studies and prediction algorithms are not available for this variant, and the functional significance of the duplicated amino acids is currently unknown. In summary, the available evidence is currently insufficient to determine the role of this variant in disease. Therefore, it has been classified as a Variant of Uncertain Significance.